The following is an entry in ClinVar:

NM_003000.3(SDHB):c.463C>T (p.Pro155Ser)

Gene: SDHB (succinate dehydrogenase complex iron sulfur subunit B; minus strand). Cytogenetic location: 1p36.13.
Variant type: single nucleotide variant.
Coding change: c.463C>T on transcript NM_003000.3 (MANE Select); coding-DNA position 463, C replaced by T.
Protein change: p.Pro155Ser; replaces proline 155 with serine.
Molecular consequence: missense variant.
Genome position (GRCh38, 1-based): chr1:17,027,826, G>A on the plus strand (C>T on the coding strand, the complement: SDHB is on the minus strand). VCF-style: chr1-17027826-G-A. GRCh37 (hg19) VCF-style: chr1-17354321-G-A.
Other names: short protein forms P155S.
Identifiers: ClinVar variation 412467 (VCV000412467.8), dbSNP rs763008243, ClinGen allele CA089630.

ClinVar aggregate classification (germline): Uncertain significance (1 of 4 stars; one submission).

Conditions:
Pheochromocytoma/paraganglioma syndrome 4. Also called: PARAGANGLIOMA, FAMILIAL MALIGNANT; PARAGANGLIOMAS, HEREDITARY EXTRAADRENAL; PHEOCHROMOCYTOMA, FAMILIAL EXTRAADRENAL; Paragangliomas 4; CAROTID BODY TUMORS AND MULTIPLE EXTRAADRENAL PHEOCHROMOCYTOMAS; SDHB-Related Hereditary Paraganglioma-Pheochromocytoma Syndrome (Paragangliomas 4). Identifiers: Orphanet 29072, MedGen C1861848, MONDO:0007273, OMIM 115310.
Gastrointestinal stromal tumor. Also called: Gastrointestinal stroma tumor; Gastrointestinal stromal tumor, somatic. Identifiers: Orphanet 44890, MedGen C0238198, MeSH D046152, MONDO:0011719, OMIM 606764, HP:0100723.
Pheochromocytoma. Also called: MAX-Related Hereditary Paraganglioma-Pheochromocytoma Syndrome. Identifiers: Orphanet 29072, MedGen C0031511, MONDO:0008233, OMIM 171300, HP:0002666.

Allele frequency attached by ClinVar (database versions not stated): gnomAD exomes below 0.00001; ExAC 0.00001.
gnomAD v4.1: 2 of 1,612,818 alleles (0.00012%); highest among the groups gnomAD compares: Admixed American, 0.0017%; no homozygotes.

Submission:

Labcorp Genetics (formerly Invitae), Labcorp
Classification: Uncertain significance for Gastrointestinal stromal tumor; Pheochromocytoma/paraganglioma syndrome 4; Pheochromocytoma. Last evaluated: 2023-09-09. Review status: criteria provided, single submitter. Criteria: Invitae Variant Classification Sherloc (09022015). Collection method: clinical testing. Allele origin: germline.
Comment: In summary, the available evidence is currently insufficient to determine the role of this variant in disease. Therefore, it has been classified as a Variant of Uncertain Significance. Advanced modeling of protein sequence and biophysical properties (such as structural, functional, and spatial information, amino acid conservation, physicochemical variation, residue mobility, and thermodynamic stability) performed at Invitae indicates that this missense variant is expected to disrupt SDHB protein function. ClinVar contains an entry for this variant (Variation ID: 412467). This sequence change replaces proline, which is neutral and non-polar, with serine, which is neutral and polar, at codon 155 of the SDHB protein (p.Pro155Ser). This variant is present in population databases (rs763008243, gnomAD 0.003%). This variant has not been reported in the literature in individuals affected with SDHB-related conditions.